The following is an entry in ClinVar:

NM_001128840.3(CACNA1D):c.1854T>G (p.Phe618Leu)

Gene: CACNA1D (calcium voltage-gated channel subunit alpha1 D; plus strand). Cytogenetic location: 3p21.1.
Variant type: single nucleotide variant.
Coding change: c.1854T>G on transcript NM_001128840.3 (MANE Select); coding-DNA position 1854, T replaced by G.
Protein change: p.Phe618Leu; replaces phenylalanine 618 with leucine.
Molecular consequence: missense variant.
Genome position (GRCh38, 1-based): chr3:53,723,621, T>G. VCF-style: chr3-53723621-T-G. GRCh37 (hg19) VCF-style: chr3-53757648-T-G.
Other names: c.1914T>G, p.Phe638Leu (NM_000720.4); c.1854T>G, p.Phe618Leu (NM_001128839.3); short protein forms F618L, F638L.
Identifiers: ClinVar variation 2041266 (VCV002041266.4), dbSNP rs1257224216, ClinGen allele CA353237467.
Genomic context (GRCh38, chr3:53,723,621, plus strand): 5'-AATCACTGAGACGATCTTGGTGGAACTGGAAATCATGTCTCCCCTGGGGATCTCTGTGTT[T>G]CGGTGTGTGCGCCTCTTAAGAATCTTCAAAGTGACCAGGTAAGGAAATGTGGGTCCCACT-3'
Protein context (NP_001122312.1, residues 608-628): EIMSPLGISV[Phe618Leu]RCVRLLRIFK

ClinVar aggregate classification (germline): Uncertain significance (1 of 4 stars; one submission).

gnomAD v4.1: 1 of 1,614,168 alleles (0.000062%); highest among the groups gnomAD compares: Non-Finnish European, 0.000085%; no homozygotes.

Submission:

Labcorp Genetics (formerly Invitae), Labcorp
Classification: Uncertain significance. Last evaluated: 2022-06-10. Review status: criteria provided, single submitter. Criteria: Invitae Variant Classification Sherloc (09022015). Collection method: clinical testing. Allele origin: germline.
Comment: In summary, the available evidence is currently insufficient to determine the role of this variant in disease. Therefore, it has been classified as a Variant of Uncertain Significance. Algorithms developed to predict the effect of missense changes on protein structure and function (SIFT, PolyPhen-2, Align-GVGD) all suggest that this variant is likely to be tolerated. This variant has not been reported in the literature in individuals affected with CACNA1D-related conditions. This variant is not present in population databases (gnomAD no frequency). This sequence change replaces phenylalanine, which is neutral and non-polar, with leucine, which is neutral and non-polar, at codon 638 of the CACNA1D protein (p.Phe638Leu).